The following is an entry in ClinVar:

NM_004655.4(AXIN2):c.684G>C (p.Leu228Phe)

Gene: AXIN2 (axin 2; minus strand). Cytogenetic location: 17q24.1.
Variant type: single nucleotide variant.
Coding change: c.684G>C on transcript NM_004655.4 (MANE Select); coding-DNA position 684, G replaced by C.
Protein change: p.Leu228Phe; replaces leucine 228 with phenylalanine.
Molecular consequence: missense variant.
Genome position (GRCh38, 1-based): chr17:65,557,937, C>G on the plus strand (G>C on the coding strand, the complement: AXIN2 is on the minus strand). VCF-style: chr17-65557937-C-G. GRCh37 (hg19) VCF-style: chr17-63554055-C-G.
Other names: c.684G>C, p.Leu228Phe (NM_001363813.1); short protein forms L228F.
Identifiers: ClinVar variation 844754 (VCV000844754.11), dbSNP rs2044295284, ClinGen allele CA400680498.

ClinVar aggregate classification (germline): Uncertain significance. Review status: criteria provided, multiple submitters, no conflicts (2 of 4 stars). 3 submissions from 3 submitters: Uncertain significance (3). Last evaluated 2025-12-02.

Conditions:
Hereditary cancer-predisposing syndrome. Also called: Tumor predisposition; Hereditary neoplastic syndrome; Neoplastic Syndromes, Hereditary; Hereditary Cancer Syndrome. Identifiers: Orphanet 140162, MedGen C0027672, MeSH D009386, MONDO:0015356.
Oligodontia-cancer predisposition syndrome. Also called: TOOTH AGENESIS-COLORECTAL CANCER SYNDROME. Identifiers: Orphanet 300576, MedGen C1837750, MONDO:0012075, OMIM 608615. Disease mechanism: loss of function.

Allele frequency attached by ClinVar (database versions not stated): gnomAD exomes 0.00001.
gnomAD v4.1: 3 of 1,614,200 alleles (0.00019%); highest among the groups gnomAD compares: Non-Finnish European, 0.00025%; no homozygotes.

Submissions (3):

Ambry Genetics
Classification: Uncertain significance for Hereditary cancer-predisposing syndrome. Last evaluated: 2025-12-02. Review status: criteria provided, single submitter. Criteria: Ambry Variant Classification Scheme 2023. Collection method: clinical testing. Allele origin: germline.
Comment: The p.L228F variant (also known as c.684G>C), located in coding exon 1 of the AXIN2 gene, results from a G to C substitution at nucleotide position 684. The leucine at codon 228 is replaced by phenylalanine, an amino acid with highly similar properties. This amino acid position is highly conserved in available vertebrate species. In addition, the in silico prediction for this alteration is inconclusive. Since supporting evidence is limited at this time, the clinical significance of this alteration remains unclear.

Labcorp Genetics (formerly Invitae), Labcorp
Classification: Uncertain significance for Oligodontia-cancer predisposition syndrome. Last evaluated: 2022-03-17. Review status: criteria provided, single submitter. Criteria: Invitae Variant Classification Sherloc (09022015). Collection method: clinical testing. Allele origin: germline.
Comment: ClinVar contains an entry for this variant (Variation ID: 844754). In summary, the available evidence is currently insufficient to determine the role of this variant in disease. Therefore, it has been classified as a Variant of Uncertain Significance. Algorithms developed to predict the effect of missense changes on protein structure and function are either unavailable or do not agree on the potential impact of this missense change (SIFT: "Deleterious"; PolyPhen-2: "Probably Damaging"; Align-GVGD: "Class C15"). This missense change has been observed in individual(s) with neuroblastoma (PMID: 27009842). This variant is not present in population databases (gnomAD no frequency). This sequence change replaces leucine, which is neutral and non-polar, with phenylalanine, which is neutral and non-polar, at codon 228 of the AXIN2 protein (p.Leu228Phe).

Sema4
Classification: Uncertain significance for Hereditary cancer-predisposing syndrome. Last evaluated: 2021-12-20. Review status: criteria provided, single submitter. Criteria: Sema4 Curation Guidelines. Collection method: curation. Allele origin: germline.
Comment: The AXIN2 c.684G>C (p.L228F) variant has been reported in heterozygosity in at least one individual with neuroblastoma (PMID: 27009842). It was not observed in the large and broad cohorts of the Genome Aggregation Database (PMID: 32461654). This variant has been reported in ClinVar (Variation ID 844754). Functional studies have not been performed, and in silico predictions of the variant's effect on protein function are inconclusive. The evidence is insufficient to meet ACMG/AMP criteria for classifying the variant as benign or pathogenic. Thus, the clinical significance of this variant is currently uncertain.

Literature cited by the submitters: PubMed 27009842 (cited by Labcorp Genetics (formerly Invitae), Labcorp and Sema4).